The following is an entry in ClinVar:

ClinVar aggregate classification (germline): Pathogenic (1 of 4 stars; one submission).

Conditions:
Autosomal recessive spinocerebellar ataxia 10. Identifiers: Orphanet 284289, MedGen C3150998, MONDO:0013392, OMIM 613728.

gnomAD v4.1: 1 of 1,614,092 alleles (0.000062%); highest among the groups gnomAD compares: Non-Finnish European, 0.000085%; no homozygotes.

Submission:

Myriad Genetics, Inc.
Classification: Pathogenic for Autosomal recessive spinocerebellar ataxia 10. Last evaluated: 2024-08-13. Review status: criteria provided, single submitter. Criteria: Myriad Autosomal Dominant, Autosomal Recessive and X-Linked Classification Criteria (2023). Collection method: clinical testing. Allele origin: unknown.
Comment: NM_018075.3(ANO10):c.1137T>G(Y379*) is expected to be pathogenic in the context of spinocerebellar ataxia, ANO10-related. This variant is predicted to lead to an abnormal or absent protein product due to the creation of a premature termination codon in ANO10, a gene where loss-of-function variants are known to be pathogenic. Please note: this variant was assessed in the context of healthy population screening.

NM_018075.5(ANO10):c.1137T>G (p.Tyr379Ter)

Gene: ANO10 (anoctamin 10; minus strand). Cytogenetic location: 3p22.1.
Variant type: single nucleotide variant.
Coding change: c.1137T>G on transcript NM_018075.5 (MANE Select); coding-DNA position 1137, T replaced by G.
Protein change: p.Tyr379Ter; replaces tyrosine 379 with a stop codon.
Molecular consequence: nonsense. On other transcripts: intron variant (1).
Genome position (GRCh38, 1-based): chr3:43,576,717, A>C on the plus strand (T>G on the coding strand, the complement: ANO10 is on the minus strand). VCF-style: chr3-43576717-A-C. GRCh37 (hg19) VCF-style: chr3-43618209-A-C.
Other names: c.1137T>G, p.Tyr379Ter (NM_001204831.3, NM_001346463.2, NM_001346464.2 and 3 more transcripts); c.939T>G, p.Tyr313Ter (NM_001204832.3, NM_001346466.2, NM_001346469.2); c.804T>G, p.Tyr268Ter (NM_001204833.3); c.593-1853T>G (NM_001204834.3); short protein forms Y268*, Y313*, Y379*.
Identifiers: ClinVar variation 5013449 (VCV005013449.1).
Genomic context (GRCh38, chr3:43,576,717, plus strand): 5'-CAAGTAAGACGTGAATATAAAGCCTCAAGTCTTACCCCATGAAGTTAAAAACTCGGCAGC[A>C]TATCGATAGAGACGATTCATGATCTCAATCACAATGGCATAGATGATGCTGGGCACATAC-3'